The following is an entry in ClinVar:

ClinVar aggregate classification (germline): Uncertain significance (1 of 4 stars; one submission).

Submission:

Ambry Genetics
Classification: Uncertain significance. Last evaluated: 2024-01-25. Review status: criteria provided, single submitter. Criteria: Ambry Variant Classification Scheme 2023. Collection method: clinical testing. Allele origin: germline.
Comment: The p.P2014R variant (also known as c.6041C>G), located in coding exon 19 of the POLQ gene, results from a C to G substitution at nucleotide position 6041. The proline at codon 2014 is replaced by arginine, an amino acid with dissimilar properties. This amino acid position is conserved. In addition, this alteration is predicted to be tolerated by in silico analysis. Since supporting evidence is limited at this time, the clinical significance of this alteration remains unclear.

NM_199420.4(POLQ):c.6041C>G (p.Pro2014Arg)

Gene: POLQ (DNA polymerase theta; minus strand). Cytogenetic location: 3q13.33.
Variant type: single nucleotide variant.
Coding change: c.6041C>G on transcript NM_199420.4 (MANE Select); coding-DNA position 6041, C replaced by G.
Protein change: p.Pro2014Arg; replaces proline 2014 with arginine.
Molecular consequence: missense variant.
Genome position (GRCh38, 1-based): chr3:121,481,742, G>C on the plus strand (C>G on the coding strand, the complement: POLQ is on the minus strand). VCF-style: chr3-121481742-G-C. GRCh37 (hg19) VCF-style: chr3-121200589-G-C.
Other names: short protein forms P2014R.
Identifiers: ClinVar variation 1751241 (VCV001751241.2), dbSNP rs71329221, ClinGen allele CA354088088.